The following is an entry in ClinVar:

NM_002691.3(POLD1):c.589_589+1del

Gene: POLD1 (DNA polymerase delta 1, catalytic subunit; plus strand). Cytogenetic location: 19q13.33.
Variant type: Microsatellite.
Coding change: c.589_589+1del on transcript NM_002691.3; coding-DNA position 589 through the canonical splice donor site of the intron after coding-DNA position 589, 2 bases deleted (AG; older notation c.589_589+1delAG).
Genome position (GRCh38, 1-based): chr19:50,402,124-50,402,125, AG deleted; deleting any 2 consecutive bases within chr19:50,402,119-50,402,125 gives the same sequence; the c. name uses the placement nearest the transcript's 3' end. VCF-style (leftmost placement, unchanged base first): chr19-50402118-CGA-C. GRCh37 (hg19) VCF-style: chr19-50905375-CGA-C.
Other names: c.589_589+1delAG (NM_002691.3).
Identifiers: ClinVar variation 408043 (VCV000408043.11), dbSNP rs1060501829, ClinGen allele CA16616116.

ClinVar aggregate classification (germline): Uncertain significance. Review status: criteria provided, multiple submitters, no conflicts (2 of 4 stars). 2 submissions from 2 submitters: Uncertain significance (2). Last evaluated 2024-11-08.

Conditions:
Hereditary cancer-predisposing syndrome. Also called: Neoplastic Syndromes, Hereditary; Hereditary Cancer Syndrome; Tumor predisposition; Hereditary neoplastic syndrome. Identifiers: Orphanet 140162, MedGen C0027672, MeSH D009386, MONDO:0015356.
POLD1-related polyposis and colorectal cancer syndrome (CRCS10). Also called: Colorectal cancer 10; COLORECTAL CANCER, SUSCEPTIBILITY TO, ON CHROMOSOME 19q; Colorectal cancer, susceptibility to, 10. Identifiers: Orphanet 220460, MedGen C2675481, MONDO:0012953, OMIM 612591.

Submissions (2):

Ambry Genetics
Classification: Uncertain significance for Hereditary cancer-predisposing syndrome. Last evaluated: 2024-11-08. Review status: criteria provided, single submitter. Criteria: Ambry Variant Classification Scheme 2023. Collection method: clinical testing. Allele origin: germline.
Comment: The c.589_589+1delAG variant results from a deletion of AG at nucleotide position 589 and involves the canonical splice donor site after coding exon 4 of the POLD1 gene. The canonical splice donor site is highly conserved in available vertebrate species. In silico splice site analysis predicts that this alteration will weaken the native splice donor site and will result in the creation or strengthening of a novel splice donor site; however, the exact impact of this deletion on POLD1 splicing and function is currently unknown. Alterations that disrupt the canonical splice site are expected to cause aberrant splicing, resulting in an abnormal protein or a transcript that is subject to nonsense-mediated mRNA decay. However, loss of function of POLD1 has not been established as a mechanism of disease. Based on the available evidence, the clinical significance of this alteration remains unclear.

Labcorp Genetics (formerly Invitae), Labcorp
Classification: Uncertain significance for POLD1-related polyposis and colorectal cancer syndrome. Last evaluated: 2019-11-06. Review status: criteria provided, single submitter. Criteria: Invitae Variant Classification Sherloc (09022015). Collection method: clinical testing. Allele origin: germline.
Comment: This variant is not present in population databases (ExAC no frequency) and has not been reported in the literature in individuals with a POLD1-related disease. Missense variants that disrupt the 3'-5' exonuclease (proof-reading) activity of the POLD1 protein, while not abolishing its polymerase enzyme activity, are associated with an increased risk for colonic adenomatous polyps and colon cancer (PMID: 23263490, 23447401). Loss-of-function truncating variants, which result in an absent or severely disrupted POLD1 protein, are therefore unlikely to be associated with disease. Without further clinical and genetic evidence, however, this variant has been classified as a Variant of Uncertain Significance. This sequence change affects a donor splice site in intron 5 of the POLD1 gene. It is expected to disrupt RNA splicing and likely results in an absent or disrupted protein product.

Literature cited by the submitters: PubMed 23263490 (cited by Labcorp Genetics (formerly Invitae), Labcorp); PubMed 23447401 (cited by Labcorp Genetics (formerly Invitae), Labcorp).